The following is an entry in ClinVar:

ClinVar aggregate classification (germline): Likely benign. Review status: criteria provided, multiple submitters, no conflicts (2 of 4 stars). 2 submissions from 2 submitters: Likely benign (2). Last evaluated 2025-04-23.

Conditions:
INPP5E-related disorder. Also called: INPP5E-related condition.
Joubert syndrome. Also called: JOUBERT-BOLTSHAUSER SYNDROME; Familial aplasia of the vermis. Identifiers: Orphanet 475, MedGen C5979921, MONDO:0018772.

Allele frequency attached by ClinVar (database versions not stated): gnomAD 0.00001; TOPMed 0.00002; ExAC 0.00004.

Submissions (2):

PreventionGenetics, part of Exact Sciences
Classification: Likely benign for INPP5E-related condition. Last evaluated: 2025-04-23. Review status: criteria provided, single submitter. Criteria: ACMG Guidelines, 2015. Collection method: clinical testing. Allele origin: germline.
Comment: This variant is classified as likely benign based on ACMG/AMP sequence variant interpretation guidelines (Richards et al. 2015 PMID: 25741868, with internal and published modifications).

Labcorp Genetics (formerly Invitae), Labcorp
Classification: Likely benign for Joubert syndrome. Last evaluated: 2022-11-01. Review status: criteria provided, single submitter. Criteria: Invitae Variant Classification Sherloc (09022015). Collection method: clinical testing. Allele origin: germline.

NM_019892.6(INPP5E):c.321T>C (p.Asn107=)

Gene: INPP5E (inositol polyphosphate-5-phosphatase E; minus strand). Cytogenetic location: 9q34.3.
Variant type: single nucleotide variant.
Coding change: c.321T>C on transcript NM_019892.6 (MANE Select); coding-DNA position 321, T replaced by C.
Protein change: p.Asn107=; no amino-acid change (asparagine 107 retained).
Molecular consequence: synonymous variant.
Genome position (GRCh38, 1-based): chr9:136,439,099, A>G on the plus strand (T>C on the coding strand, the complement: INPP5E is on the minus strand). VCF-style: chr9-136439099-A-G. GRCh37 (hg19) VCF-style: chr9-139333551-A-G.
Other names: c.321T>C, p.Asn107= (NM_001318502.2); c.321T>C (NM_019892.5).
Identifiers: ClinVar variation 2892643 (VCV002892643.4), dbSNP rs781080297, ClinGen allele CA5337180.
Genomic context (GRCh38, chr9:136,439,099, plus strand): 5'-GCTGTGGGCGGGGGCCCCGGGGCCCTCGCTCTGCACTGAGCCCCTGGAGGGACTGGTCCC[A>G]TTCCGGGCTTCCAGGTCCTCCTGGCTGCCTCGAAAACGCCTCCTCCTCCAGCCCTTGTCG-3'
Protein context (NP_063945.2, residues 97-117): RGSQEDLEAR[Asn107=]GTSPSRGSVQ